The following is an entry in ClinVar:

NC_000005.9:g.(?_125912751)_(125912923_?)del

Gene: ALDH7A1 (aldehyde dehydrogenase 7 family member A1; minus strand). Cytogenetic location: 5q23.2.
Variant type: Deletion.
Identifiers: ClinVar variation 3246338 (VCV003246338.1).

ClinVar aggregate classification (germline): Pathogenic (1 of 4 stars; one submission).

Conditions:
Pyridoxine-dependent epilepsy (EPEO4). Also called: PYRIDOXINE DEPENDENCY WITH SEIZURES; Pyridoxine-Dependent Seizures; Pyridoxine-Dependent Epilepsy - ALDH7A1; EPILEPSY, EARLY-ONSET, 4, VITAMIN B6-DEPENDENT. Identifiers: Orphanet 3006, MedGen C1849508, MONDO:0009945, OMIM 266100. Disease mechanism: loss of function.

Submission:

Labcorp Genetics (formerly Invitae), Labcorp
Classification: Pathogenic for Pyridoxine-dependent epilepsy. Last evaluated: 2023-11-11. Review status: criteria provided, single submitter. Criteria: Invitae Variant Classification Sherloc (09022015). Collection method: clinical testing. Allele origin: unknown.
Comment: This variant is a gross deletion of the genomic region encompassing exon(s) 6 of the ALDH7A1 gene. This deletion is out-of-frame, and is expected to create a premature termination codon and result in an absent or disrupted protein product. Loss-of-function variants in ALDH7A1 are known to be pathogenic (PMID: 16491085, 20554659). A similar copy number variant has been observed in individual(s) with pyridoxine-dependent epilepsy (PMID: 30043187, 31737911). For these reasons, this variant has been classified as Pathogenic.

Literature cited by the submitters: PubMed 16491085; PubMed 20554659; PubMed 30043187; PubMed 31737911.